The following is an entry in ClinVar:

ClinVar aggregate classification (germline): Uncertain significance (1 of 4 stars; one submission).

Conditions:
SEMA3G-related disorder. Also called: SEMA3G-related condition.

gnomAD v4.1: 3 of 1,605,364 alleles (0.00019%); highest among the groups gnomAD compares: Admixed American, 0.0017%; no homozygotes.

Submission:

PreventionGenetics, part of Exact Sciences
Classification: Uncertain significance for SEMA3G-related condition. Last evaluated: 2026-02-19. Review status: criteria provided, single submitter. Criteria: ACMG Guidelines, 2015. Collection method: clinical testing. Allele origin: germline.
Comment: The SEMA3G c.862C>T variant is predicted to result in the amino acid substitution p.Leu288Phe. To our knowledge, this variant has not been reported in the literature. This variant is reported in 0.0058% of alleles in individuals of Latino descent in gnomAD. At this time, the clinical significance of this variant is uncertain due to the absence of conclusive functional and genetic evidence.

NM_020163.3(SEMA3G):c.862C>T (p.Leu288Phe)

Gene: SEMA3G (semaphorin 3G; minus strand). Cytogenetic location: 3p21.1.
Variant type: single nucleotide variant.
Coding change: c.862C>T on transcript NM_020163.3 (MANE Select); coding-DNA position 862, C replaced by T.
Protein change: p.Leu288Phe; replaces leucine 288 with phenylalanine.
Molecular consequence: missense variant.
Genome position (GRCh38, 1-based): chr3:52,441,000, G>A on the plus strand (C>T on the coding strand, the complement: SEMA3G is on the minus strand). VCF-style: chr3-52441000-G-A. GRCh37 (hg19) VCF-style: chr3-52475016-G-A.
Other names: short protein forms L288F.
Identifiers: ClinVar variation 4983057 (VCV004983057.1).